The following is an entry in ClinVar:

ClinVar aggregate classification (germline): Uncertain significance (1 of 4 stars; one submission).

gnomAD v4.1: 7 of 1,175,899 alleles (0.0006%); highest among the groups gnomAD compares: Non-Finnish European, 0.0008%; no homozygotes.

Submission:

Labcorp Genetics (formerly Invitae), Labcorp
Classification: Uncertain significance. Last evaluated: 2022-10-31. Review status: criteria provided, single submitter. Criteria: Invitae Variant Classification Sherloc (09022015). Collection method: clinical testing. Allele origin: germline.
Comment: In summary, the available evidence is currently insufficient to determine the role of this variant in disease. Therefore, it has been classified as a Variant of Uncertain Significance. Advanced modeling of protein sequence and biophysical properties (such as structural, functional, and spatial information, amino acid conservation, physicochemical variation, residue mobility, and thermodynamic stability) performed at Invitae indicates that this missense variant is expected to disrupt CACNA1F protein function. This variant has not been reported in the literature in individuals affected with CACNA1F-related conditions. This variant is not present in population databases (gnomAD no frequency). This sequence change replaces arginine, which is basic and polar, with glutamine, which is neutral and polar, at codon 969 of the CACNA1F protein (p.Arg969Gln).

NM_001256789.3(CACNA1F):c.2873G>A (p.Arg958Gln)

Gene: CACNA1F (calcium voltage-gated channel subunit alpha1 F; minus strand). Cytogenetic location: Xp11.23.
Variant type: single nucleotide variant.
Coding change: c.2873G>A on transcript NM_001256789.3 (MANE Select); coding-DNA position 2873, G replaced by A.
Protein change: p.Arg958Gln; replaces arginine 958 with glutamine.
Molecular consequence: missense variant.
Genome position (GRCh38, 1-based): chrX:49,218,510, C>T on the plus strand (G>A on the coding strand, the complement: CACNA1F is on the minus strand). VCF-style: chrX-49218510-C-T. GRCh37 (hg19) VCF-style: chrX-49074969-C-T.
Other names: c.2711G>A, p.Arg904Gln (NM_001256790.3); c.2906G>A, p.Arg969Gln (NM_005183.4); short protein forms R904Q, R958Q, R969Q.
Identifiers: ClinVar variation 2974920 (VCV002974920.3), dbSNP rs782194677, ClinGen allele CA412964681.
Genomic context (GRCh38, chrX:49,218,510, plus strand): 5'-GTTACCTTGAGTCCCTTGGCCCTGTTGATGGCTCGGAGGGGCCGCAGTACTCGGAGTACT[C>T]GCAGAATCTTCACCACCGAGATGGCGCTGGAGCTGGGGAAGGGGCAATCCTCAGGCATTG-3'
Protein context (NP_001243718.1, residues 948-968): SSAISVVKIL[Arg958Gln]VLRVLRPLRA